The following continues an entry in ClinVar:

NM_002693.3(POLG):c.2890C>T (p.Arg964Cys)

Gene: POLG. ClinVar aggregate classification (germline): Conflicting classifications of pathogenicity. Pathogenic (5); Likely pathogenic (9); Uncertain significance (11); Benign (1).

Submissions 21 to 27 of 27:

Eurofins Ntd Llc (ga)
Classification: Uncertain significance. Last evaluated: 2017-10-09. Review status: criteria provided, single submitter. Criteria: EGL Classification Definitions 2015. Collection method: clinical testing. Allele origin: germline. Observed: 3 variant alleles, 3 heterozygotes.

CeGaT Center for Human Genetics Tuebingen
Classification: Likely pathogenic. Last evaluated: 2016-12-01. Review status: criteria provided, single submitter. Criteria: CeGaT Center For Human Genetics Tuebingen Variant Classification Criteria Version 2. Collection method: clinical testing. Allele origin: germline. Affected: yes. Observed: 1 variant allele.

Soonchunhyang University Bucheon Hospital, Soonchunhyang University Medical Center
Classification: Likely pathogenic for Progressive sclerosing poliodystrophy; Mitochondrial DNA depletion syndrome 4b. Last evaluated: 2016-03-18. Review status: criteria provided, single submitter. Criteria: ACMG Guidelines, 2015. Collection method: reference population. Allele origin: germline. Observed: 3 variant alleles.

Baylor Genetics
Classification: Pathogenic for Progressive sclerosing poliodystrophy; Mitochondrial DNA depletion syndrome 4b. Review status: criteria provided, single submitter. Criteria: ACMG Guidelines, 2015. Collection method: clinical testing. Allele origin: germline.

Juno Genomics, Hangzhou Juno Genomics, Inc
Classification: Uncertain significance for Progressive sclerosing poliodystrophy; Sensory ataxic neuropathy, dysarthria, and ophthalmoparesis; Mitochondrial DNA depletion syndrome 4b. Review status: criteria provided, single submitter. Criteria: ACMG Guidelines, 2015. Collection method: clinical testing. Allele origin: germline.
Comment: Allele frequency is greater than expected for disorder.;For recessive disorders, detected in trans with a pathogenic variant.;Patient's phenotype or family history is highly specific for a disease with a single genetic etiology.

Pediatric Department, Xiangya Hospital, Central South University
Classification: Likely pathogenic for MELAS syndrome. Review status: criteria provided, single submitter. Criteria: ACMG Guidelines, 2015. Collection method: clinical testing. Allele origin: paternal. Inheritance: Autosomal recessive inheritance. Affected: yes. Observed: 2 compound heterozygotes. Clinical features observed: Seizure, Abnormality of the liver, Stroke-like episode.
Comment: This variant was observed in compound heterozygosity with variant (c.2584G>A)

Codex Genetics Limited
Classification: Pathogenic for Spinocerebellar atrophy. Last evaluated: 2019-02-28. Review status: no assertion criteria provided. Collection method: provider interpretation. Allele origin: germline. Affected: yes. Not counted in ClinVar's aggregate classification.

Literature cited by the submitters: PubMed 19762913 (cited by 7 submitters); PubMed 30451971 (cited by Victorian Clinical Genetics Services, Murdoch Childrens Research Institute); PubMed 17436221 (cited by 8 submitters); PubMed 21880868 (cited by 7 submitters); PubMed 20301791 (cited by Victorian Clinical Genetics Services, Murdoch Childrens Research Institute); PubMed 18546365 (cited by 5 submitters); PubMed 32348839 (cited by Women's Health and Genetics/Laboratory Corporation of America, LabCorp and Mayo Clinic Laboratories, Mayo Clinic); PubMed 19364868 (cited by 6 submitters); PubMed 31665838 (cited by Women's Health and Genetics/Laboratory Corporation of America, LabCorp); PubMed 34690748 (cited by Women's Health and Genetics/Laboratory Corporation of America, LabCorp and Athena Diagnostics); PubMed 24091540 (cited by 5 submitters); PubMed 40034369 (cited by Women's Health and Genetics/Laboratory Corporation of America, LabCorp and Mayo Clinic Laboratories, Mayo Clinic); PubMed 19010300 (cited by Mayo Clinic Laboratories, Mayo Clinic); PubMed 19887119 (cited by Mayo Clinic Laboratories, Mayo Clinic); PubMed 20176107 (cited by 4 submitters); PubMed 23250882 (cited by Mayo Clinic Laboratories, Mayo Clinic); PubMed 23419467 (cited by Mayo Clinic Laboratories, Mayo Clinic); PubMed 25462018 (cited by Mayo Clinic Laboratories, Mayo Clinic and Athena Diagnostics); PubMed 25852747 (cited by Mayo Clinic Laboratories, Mayo Clinic); PubMed 27917773 (cited by Mayo Clinic Laboratories, Mayo Clinic); PubMed 28756246 (cited by Mayo Clinic Laboratories, Mayo Clinic); PubMed 28958595 (cited by Mayo Clinic Laboratories, Mayo Clinic); PubMed 29214156 (cited by Mayo Clinic Laboratories, Mayo Clinic); PubMed 29992832 (cited by Mayo Clinic Laboratories, Mayo Clinic); PubMed 30941926 (cited by Mayo Clinic Laboratories, Mayo Clinic); PubMed 30951992 (cited by Mayo Clinic Laboratories, Mayo Clinic); PubMed 32165824 (cited by Mayo Clinic Laboratories, Mayo Clinic and Athena Diagnostics); PubMed 32502631 (cited by Mayo Clinic Laboratories, Mayo Clinic and Athena Diagnostics); PubMed 35598585 (cited by Mayo Clinic Laboratories, Mayo Clinic and Athena Diagnostics); PubMed 38012111 (cited by Mayo Clinic Laboratories, Mayo Clinic and Athena Diagnostics); PubMed 38705812 (cited by Mayo Clinic Laboratories, Mayo Clinic); PubMed 36918699 (cited by Athena Diagnostics); PubMed 37168916 (cited by Athena Diagnostics); PubMed 31521625 (cited by Athena Diagnostics); PubMed 27987238 (cited by Athena Diagnostics); PubMed 32005694 (cited by Athena Diagnostics); PubMed 33763395 (cited by Athena Diagnostics); PubMed 22987704 (cited by Athena Diagnostics); PubMed 35478072 (cited by Athena Diagnostics).